The following is an entry in ClinVar:

ClinVar aggregate classification (germline): Uncertain significance (1 of 4 stars; one submission).

Conditions:
Neuropathy, hereditary sensory and autonomic, type 2A (HSAN2A). Also called: MORVAN DISEASE; NEUROPATHY, CONGENITAL SENSORY; NEUROPATHY, HEREDITARY SENSORY RADICULAR, AUTOSOMAL RECESSIVE; NEUROPATHY, HEREDITARY SENSORY, TYPE IIA; NEUROPATHY, PROGRESSIVE SENSORY, OF CHILDREN; ACROOSTEOLYSIS, GIACCAI TYPE. Identifiers: Orphanet 970, MedGen C2752089, MONDO:0024309, OMIM 201300.
Generalized epilepsy with febrile seizures plus, type 7 (GEFSP7). Also called: GEFS+, TYPE 7. Identifiers: Orphanet 36387, MedGen C2751778, MONDO:0013470, OMIM 613863.

gnomAD v4.1: 3 of 1,581,488 alleles (0.00019%); highest among the groups gnomAD compares: Non-Finnish European, 0.00026%; no homozygotes.

Submission:

Labcorp Genetics (formerly Invitae), Labcorp
Classification: Uncertain significance for Neuropathy, hereditary sensory and autonomic, type 2A; Generalized epilepsy with febrile seizures plus, type 7. Last evaluated: 2023-11-09. Review status: criteria provided, single submitter. Criteria: Invitae Variant Classification Sherloc (09022015). Collection method: clinical testing. Allele origin: germline.
Comment: This sequence change affects codon 1279 of the SCN9A mRNA. It is a 'silent' change, meaning that it does not change the encoded amino acid sequence of the SCN9A protein. This variant is not present in population databases (gnomAD no frequency). This variant has not been reported in the literature in individuals affected with SCN9A-related conditions. Algorithms developed to predict the effect of sequence changes on RNA splicing suggest that this variant may disrupt the consensus splice site. In summary, the available evidence is currently insufficient to determine the role of this variant in disease. Therefore, it has been classified as a Variant of Uncertain Significance.

NM_001365536.1(SCN9A):c.3868C>A (p.Arg1290=)

Genes: SCN1A-AS1 (SCN1A and SCN9A antisense RNA 1; plus strand), SCN9A (sodium voltage-gated channel alpha subunit 9; minus strand). Cytogenetic location: 2q24.3.
Variant type: single nucleotide variant.
Coding change: c.3868C>A on transcript NM_001365536.1 (MANE Select); coding-DNA position 3868, C replaced by A.
Protein change: p.Arg1290=; no amino-acid change (arginine 1290 retained).
Molecular consequence: synonymous variant.
Genome position (GRCh38, 1-based): chr2:166,233,396, G>T on the plus strand (C>A on the coding strand, the complement: SCN9A is on the minus strand). VCF-style: chr2-166233396-G-T. GRCh37 (hg19) VCF-style: chr2-167089906-G-T.
Other names: c.3835C>A, p.Arg1279= (NM_002977.4).
Identifiers: ClinVar variation 2926426 (VCV002926426.3), dbSNP rs763423536, ClinGen allele CA429900492.